The following is an entry in ClinVar:

NM_000152.5(GAA):c.1950_1952delinsT (p.Gly651fs)

Gene: GAA (alpha glucosidase; plus strand). Cytogenetic location: 17q25.3.
Variant type: Indel.
Coding change: c.1950_1952delinsT on transcript NM_000152.5 (MANE Select); coding-DNA positions 1950 to 1952, GGG replaced by T.
Protein change: p.Gly651fs; shifts the reading frame from glycine 651.
Molecular consequence: frameshift variant.
Genome position (GRCh38, 1-based): chr17:80,112,937-80,112,939, GGG replaced by T. VCF-style: chr17-80112937-GGG-T. GRCh37 (hg19) VCF-style: chr17-78086736-GGG-T.
Other names: c.1950_1952delinsT, p.Gly651fs (NM_001079803.3, NM_001079804.3, NM_001406741.1 and 1 more transcripts); short protein forms G651fs.
Identifiers: ClinVar variation 3010207 (VCV003010207.3), dbSNP rs1567835775, ClinGen allele CA2740093940.

ClinVar aggregate classification (germline): Pathogenic (1 of 4 stars; one submission).

Conditions:
Glycogen storage disease, type II (IOPD). Also called: Glycogen storage disease type 2; Acid maltase deficiency disease; Aglucosidase alfa; Deficiency of alpha-glucosidase; Deficiency of lysosomal alpha-glucosidase; Glucosidase acid-1,4-alpha deficiency. Identifiers: Orphanet 365, MedGen C0017921, MONDO:0009290, OMIM 232300.

Submission:

Labcorp Genetics (formerly Invitae), Labcorp
Classification: Pathogenic for Glycogen storage disease, type II. Last evaluated: 2020-10-01. Review status: criteria provided, single submitter. Criteria: Invitae Variant Classification Sherloc (09022015). Collection method: clinical testing. Allele origin: germline.
Comment: This sequence change creates a premature translational stop signal (p.Gly651Glnfs*85) in the GAA gene. It is expected to result in an absent or disrupted protein product. The frequency data for this variant in the population databases is not available, as this variant may be reported as separate entries in the ExAC database. This variant has not been reported in the literature in individuals with GAA-related conditions. ClinVar contains an entry for this variant (Variation ID: 632822). Loss-of-function variants in GAA are known to be pathogenic (PMID: 18425781, 22252923). For these reasons, this variant has been classified as Pathogenic.

Literature cited by the submitters: PubMed 18425781; PubMed 22252923.